The following is an entry in ClinVar:

ClinVar aggregate classification (germline): Pathogenic. Review status: criteria provided, multiple submitters, no conflicts (2 of 4 stars). 2 submissions from 2 submitters: Pathogenic (2). Last evaluated 2024-12-06.

Conditions:
FANCA-related disorders.
Fanconi anemia (FA). Also called: Fanconi's anemia. Identifiers: Orphanet 84, MedGen C0015625, MeSH D005199, MONDO:0019391.

Submissions (2):

Women's Health and Genetics/Laboratory Corporation of America, LabCorp
Classification: Pathogenic for Fanconi anemia. Last evaluated: 2024-12-06. Review status: criteria provided, single submitter. Criteria: LabCorp Variant Classification Summary - May 2015. Collection method: clinical testing. Allele origin: germline.
Comment: Variant summary: FANCA c.2223-138A>G is located at a position not widely known to affect splicing. Several computational tools predict a significant impact on normal splicing: Four predict the variant creates a 5' donor site. However, these predictions have yet to be confirmed by functional studies. The variant was absent in 31396 control chromosomes. c.2223-138A>G has been reported in the literature in multiple individuals affected with Fanconi Anemia (Bouchlaka_2003, Ali_2021). These data indicate that the variant is very likely to be associated with disease. To our knowledge, no experimental evidence demonstrating an impact on protein function has been reported. The following publications have been ascertained in the context of this evaluation (PMID: 33679882, 12827451). No submitters have cited clinical-significance assessments for this variant to ClinVar. Based on the evidence outlined above, the variant was classified as pathogenic.

Blueprint Genetics
Classification: Pathogenic for FANCA-related disorders. Last evaluated: 2022-04-23. Review status: criteria provided, single submitter. Criteria: ACMG Guidelines, 2015. Collection method: clinical testing. Allele origin: germline. Affected: yes. Observed: 1 variant allele.

Literature cited by the submitters: PubMed 33679882 (cited by Women's Health and Genetics/Laboratory Corporation of America, LabCorp); PubMed 12827451 (cited by Women's Health and Genetics/Laboratory Corporation of America, LabCorp).

NM_000135.4(FANCA):c.2223-138A>G

Gene: FANCA (FA complementation group A; minus strand). Cytogenetic location: 16q24.3.
Variant type: single nucleotide variant.
Coding change: c.2223-138A>G on transcript NM_000135.4 (MANE Select); 138 bases into the intron before coding-DNA position 2223, A replaced by G.
Molecular consequence: intron variant.
Genome position (GRCh38, 1-based): chr16:89,770,397, T>C on the plus strand (A>G on the coding strand, the complement: FANCA is on the minus strand). VCF-style: chr16-89770397-T-C. GRCh37 (hg19) VCF-style: chr16-89836805-T-C.
Other names: c.2223-138A>G (NM_001286167.3).
Identifiers: ClinVar variation 3768210 (VCV003768210.2).